The following is an entry in ClinVar:

NM_001103.4(ACTN2):c.2162G>A (p.Arg721His)

Gene: ACTN2 (actinin alpha 2; plus strand). Cytogenetic location: 1q43.
Variant type: single nucleotide variant.
Coding change: c.2162G>A on transcript NM_001103.4 (MANE Select); coding-DNA position 2162, G replaced by A.
Protein change: p.Arg721His; replaces arginine 721 with histidine.
Molecular consequence: missense variant.
Genome position (GRCh38, 1-based): chr1:236,757,493, G>A. VCF-style: chr1-236757493-G-A. GRCh37 (hg19) VCF-style: chr1-236920793-G-A.
Other names: p.Arg721His; c.2162G>A, p.Arg721His (NM_001278343.2); c.1538G>A, p.Arg513His (NM_001278344.2); short protein forms R513H, R721H.
Identifiers: ClinVar variation 1192254 (VCV001192254.16), dbSNP rs546431200, ClinGen allele CA1473368.

ClinVar aggregate classification (germline): Conflicting classifications of pathogenicity. Review status: criteria provided, conflicting classifications (1 of 4 stars). 7 submissions from 7 submitters: Uncertain significance (5); Likely benign (2). Last evaluated 2026-03-27.

Conditions:
Dilated cardiomyopathy 1AA (CMD1AA). Also called: Cardiomyopathy, dilated, 1AA, with or without LVNC; CARDIOMYOPATHY, DILATED, 1AA, WITH OR WITHOUT LEFT VENTRICULAR NONCOMPACTION; CARDIOMYOPATHY, FAMILIAL HYPERTROPHIC, 23, WITH OR WITHOUT LEFT VENTRICULAR NONCOMPACTION. Identifiers: Orphanet 154, MedGen C2677338, MONDO:0012808, OMIM 612158.
Primary familial hypertrophic cardiomyopathy (HCM). Identifiers: Orphanet 99739, MedGen C0949658, MeSH D024741, MONDO:0024573. Inheritance: Various modes of inheritance.
Cardiovascular phenotype. Identifiers: MedGen CN230736.

Allele frequency attached by ClinVar (database versions not stated): ExAC 0.00002; TOPMed 0.00002; gnomAD 0.00003; 1000 Genomes Project 30x 0.00016; 1000 Genomes Project 0.00020.
gnomAD v4.1: 24 of 1,614,082 alleles (0.0015%); highest among the groups gnomAD compares: African/African-American, 0.0053%; no homozygotes.

Submissions (7):

Molecular Diagnostic Laboratory for Inherited Cardiovascular Disease, Montreal Heart Institute
Classification: Uncertain significance for Cardiovascular phenotype. Last evaluated: 2026-03-27. Review status: criteria provided, single submitter. Criteria: ACMG Guidelines, 2015. Collection method: clinical testing. Allele origin: germline. Affected: yes.

Labcorp Genetics (formerly Invitae), Labcorp
Classification: Likely benign for Primary familial hypertrophic cardiomyopathy; Dilated cardiomyopathy 1AA. Last evaluated: 2025-11-06. Review status: criteria provided, single submitter. Criteria: Invitae Variant Classification Sherloc (09022015). Collection method: clinical testing. Allele origin: germline.

Women's Health and Genetics/Laboratory Corporation of America, LabCorp
Classification: Uncertain significance. Last evaluated: 2025-04-07. Review status: criteria provided, single submitter. Criteria: LabCorp Variant Classification Summary - May 2015. Collection method: clinical testing. Allele origin: germline.
Comment: Variant summary: ACTN2 c.2162G>A (p.Arg721His) results in a non-conservative amino acid change located in the Spectrin/alpha-actinin repeat (IPR018159) of the encoded protein sequence. Three of five in-silico tools predict a damaging effect of the variant on protein function. The variant allele was found at a frequency of 2.4e-05 in 251480 control chromosomes (gnomAD). The available data on variant occurrences in the general population are insufficient to allow any conclusion about variant significance. c.2162G>A has been reported in the literature in one individual affected with cardiac arrest due to idiopathic ventricular fibrillation without any history of cardiovascular disease or family history of sudden cardiac death (Hou_2022). The report does not provide unequivocal conclusions about association of the variant with Cardiomyopathy. To our knowledge, no experimental evidence demonstrating an impact on protein function has been reported. The following publication have been ascertained in the context of this evaluation (PMID: 35975100). ClinVar contains an entry for this variant (Variation ID: 1192254). Based on the evidence outlined above, the variant was classified as uncertain significance.

Ambry Genetics
Classification: Uncertain significance for Cardiovascular phenotype. Last evaluated: 2024-07-30. Review status: criteria provided, single submitter. Criteria: Ambry Variant Classification Scheme 2023. Collection method: clinical testing. Allele origin: germline.
Comment: The p.R721H variant (also known as c.2162G>A), located in coding exon 18 of the ACTN2 gene, results from a G to A substitution at nucleotide position 2162. The arginine at codon 721 is replaced by histidine, an amino acid with highly similar properties. This amino acid position is highly conserved in available vertebrate species. In addition, the in silico prediction for this alteration is inconclusive. Since supporting evidence is limited at this time, the clinical significance of this alteration remains unclear.

Mayo Clinic Laboratories, Mayo Clinic
Classification: Uncertain significance. Last evaluated: 2024-02-26. Review status: criteria provided, single submitter. Criteria: ACMG Guidelines, 2015. Collection method: clinical testing. Allele origin: germline. Observed: 1 variant allele.
Comment: PP2

Blueprint Genetics
Classification: Likely benign. Last evaluated: 2023-03-30. Review status: criteria provided, single submitter. Criteria: ACMG Guidelines, 2015. Collection method: clinical testing. Allele origin: germline.

GeneDx
Classification: Uncertain significance. Last evaluated: 2022-05-23. Review status: criteria provided, single submitter. Criteria: GeneDx Variant Classification Process June 2021. Collection method: clinical testing. Allele origin: germline. Affected: yes.
Comment: In silico analysis supports that this missense variant has a deleterious effect on protein structure/function; This variant is associated with the following publications: (PMID: Hou_2022_Abstract)

Literature cited by the submitters: PubMed 35975100 (cited by Women's Health and Genetics/Laboratory Corporation of America, LabCorp and Mayo Clinic Laboratories, Mayo Clinic).